The following is an entry in ClinVar:

NM_000143.4(FH):c.104C>T (p.Ser35Leu)

Gene: FH (fumarate hydratase; minus strand). Cytogenetic location: 1q43.
Variant type: single nucleotide variant.
Coding change: c.104C>T on transcript NM_000143.4 (MANE Select); coding-DNA position 104, C replaced by T.
Protein change: p.Ser35Leu; replaces serine 35 with leucine.
Molecular consequence: missense variant.
Genome position (GRCh38, 1-based): chr1:241,519,619, G>A on the plus strand (C>T on the coding strand, the complement: FH is on the minus strand). VCF-style: chr1-241519619-G-A. GRCh37 (hg19) VCF-style: chr1-241682919-G-A.
Other names: short protein forms S35L.
Identifiers: ClinVar variation 1005231 (VCV001005231.17), dbSNP rs942065027, ClinGen allele CA345442696.

ClinVar aggregate classification (germline): Uncertain significance. Review status: criteria provided, multiple submitters, no conflicts (2 of 4 stars). 6 submissions from 6 submitters: Uncertain significance (5). 1 of the submissions does not count toward it. Last evaluated 2025-08-30.

Conditions:
Fumarase deficiency (FMRD). Also called: Fumaric aciduria; Fumarate Hydratase Deficiency. Identifiers: Orphanet 24, MedGen C0342770, MONDO:0011730, OMIM 606812.
Hereditary cancer-predisposing syndrome. Also called: Hereditary Cancer Syndrome; Hereditary neoplastic syndrome; Tumor predisposition; Neoplastic Syndromes, Hereditary. Identifiers: Orphanet 140162, MedGen C0027672, MeSH D009386, MONDO:0015356.

Allele frequency attached by ClinVar (database versions not stated): gnomAD exomes 0.00001.
gnomAD v4.1: 2 of 1,547,808 alleles (0.00013%); highest among the groups gnomAD compares: Non-Finnish European, 0.000087%; no homozygotes.

Submissions (6):

Ambry Genetics
Classification: Uncertain significance for Hereditary cancer-predisposing syndrome. Last evaluated: 2025-08-30. Review status: criteria provided, single submitter. Criteria: Ambry Variant Classification Scheme 2023. Collection method: clinical testing. Allele origin: germline.
Comment: The p.S35L variant (also known as c.104C>T), located in coding exon 1 of the FH gene, results from a C to T substitution at nucleotide position 104. The serine at codon 35 is replaced by leucine, an amino acid with dissimilar properties. This amino acid position is poorly conserved in available vertebrate species. In addition, this alteration is predicted to be tolerated by in silico analysis. Since supporting evidence is limited at this time, the clinical significance of this alteration remains unclear.

Center for Genomic Medicine, Rigshospitalet, Copenhagen University Hospital
Classification: Uncertain significance. Last evaluated: 2025-03-04. Review status: criteria provided, single submitter. Criteria: ACMG Guidelines, 2015. Collection method: clinical testing. Allele origin: germline.

Blueprint Genetics
Classification: Uncertain significance. Last evaluated: 2024-04-29. Review status: criteria provided, single submitter. Criteria: ACMG Guidelines, 2015. Collection method: clinical testing. Allele origin: germline.

GeneDx
Classification: Uncertain significance. Last evaluated: 2024-02-14. Review status: criteria provided, single submitter. Criteria: GeneDx Variant Classification Process June 2021. Collection method: clinical testing. Allele origin: germline. Affected: yes.
Comment: Not observed at significant frequency in large population cohorts (gnomAD); In silico analysis supports that this missense variant does not alter protein structure/function; Has not been previously published as pathogenic or benign to our knowledge

Labcorp Genetics (formerly Invitae), Labcorp
Classification: Uncertain significance. Last evaluated: 2021-08-26. Review status: criteria provided, single submitter. Criteria: Invitae Variant Classification Sherloc (09022015). Collection method: clinical testing. Allele origin: germline.
Comment: This sequence change replaces serine with leucine at codon 35 of the FH protein (p.Ser35Leu). The serine residue is weakly conserved and there is a large physicochemical difference between serine and leucine. The frequency data for this variant in the population databases is considered unreliable, as metrics indicate insufficient coverage at this position in the ExAC database. This variant has not been reported in the literature in individuals affected with FH-related conditions. Algorithms developed to predict the effect of missense changes on protein structure and function output the following: SIFT: "Tolerated"; PolyPhen-2: "Not Available"; Align-GVGD: "Class C0". The leucine amino acid residue is found in multiple mammalian species, which suggests that this missense change does not adversely affect protein function. In summary, the available evidence is currently insufficient to determine the role of this variant in disease. Therefore, it has been classified as a Variant of Uncertain Significance.

Natera, Inc.
Classification: Uncertain significance for Fumarase Deficiency. Last evaluated: 2025-02-11. Review status: no assertion criteria provided. Collection method: clinical testing. Allele origin: germline. Not counted in ClinVar's aggregate classification.